The following is an entry in ClinVar:

ClinVar aggregate classification (germline): Uncertain significance (1 of 4 stars; one submission).

Submission:

GeneDx
Classification: Uncertain significance. Last evaluated: 2024-04-15. Review status: criteria provided, single submitter. Criteria: GeneDx Variant Classification Process June 2021. Collection method: clinical testing. Allele origin: germline. Affected: yes.
Comment: Not observed at significant frequency in large population cohorts (gnomAD); In silico analysis supports a deleterious effect on protein structure/function; Has not been previously published as pathogenic or benign to our knowledge

NM_006922.4(SCN3A):c.2044_2045delinsGA (p.Arg682Glu)

Gene: SCN3A (sodium voltage-gated channel alpha subunit 3; minus strand). Cytogenetic location: 2q24.3.
Variant type: Indel.
Coding change: c.2044_2045delinsGA on transcript NM_006922.4 (MANE Select); coding-DNA positions 2044 to 2045, AG replaced by GA.
Protein change: p.Arg682Glu; replaces arginine 682 with glutamic acid.
Molecular consequence: missense variant.
Genome position (GRCh38, 1-based): chr2:165,139,583-165,139,584, CT replaced by TC on the plus strand (AG replaced by GA on the coding strand, the reverse complement: SCN3A is on the minus strand). VCF-style: chr2-165139583-CT-TC. GRCh37 (hg19) VCF-style: chr2-165996093-CT-TC.
Other names: c.1897_1898delinsGA, p.Arg633Glu (NM_001081676.2, NM_001081677.2); short protein forms R633E, R682E.
Identifiers: ClinVar variation 3372587 (VCV003372587.1).